The following is an entry in ClinVar:

ClinVar aggregate classification (germline): Conflicting classifications of pathogenicity. Review status: criteria provided, conflicting classifications (1 of 4 stars). 4 submissions from 4 submitters: Uncertain significance (2); Likely benign (1). 1 of the submissions does not count toward it. Last evaluated 2024-11-15.

Conditions:
Senior-Loken syndrome 6 (SLSN6). Identifiers: Orphanet 3156, MedGen C1857779, MONDO:0012433, OMIM 610189.
Joubert syndrome 5 (JBTS5). Identifiers: Orphanet 2318, MedGen C1857780, MONDO:0012432, OMIM 610188.
Bardet-Biedl syndrome 14 (BBS14). Identifiers: Orphanet 110, MedGen C2673874, MONDO:0014442, OMIM 615991.
Leber congenital amaurosis 10 (LCA10). Identifiers: Orphanet 65, MedGen C1857821, MONDO:0012723, OMIM 611755.
Meckel syndrome, type 4 (MKS4). Also called: MECKEL-GRUBER SYNDROME, TYPE 4. Identifiers: Orphanet 564, MedGen C1970161, MONDO:0012626, OMIM 611134.
CEP290-related disorder. Also called: CEP290-related disorders; CEP290-related condition. Identifiers: MedGen CN239314.
Inborn genetic diseases. Identifiers: MedGen C0950123, MeSH D030342.
Joubert syndrome. Also called: CEREBELLOPARENCHYMAL DISORDER IV; JOUBERT-BOLTSHAUSER SYNDROME; Familial aplasia of the vermis. Identifiers: Orphanet 475, MedGen C5979921, MONDO:0018772.
Nephronophthisis. Also called: Juvenile Nephronophthisis. Identifiers: Orphanet 655, MedGen C0687120, MONDO:0019005, HP:0000090.
Meckel-Gruber syndrome. Also called: DYSENCEPHALIA SPLANCHNOCYSTICA; GRUBER SYNDROME; Dysencephalia splachnocystica. Identifiers: Orphanet 564, MedGen C0265215, MONDO:0018921.

Allele frequency attached by ClinVar (database versions not stated): gnomAD exomes below 0.00001 and 0.00001; gnomAD 0.00001; TOPMed 0.00005.
gnomAD v4.1: 8 of 1,610,164 alleles (0.0005%); highest among the groups gnomAD compares: African/African-American, 0.0094%; no homozygotes.

Submissions (4):

Ambry Genetics
Classification: Likely benign for Inborn genetic diseases. Last evaluated: 2024-11-15. Review status: criteria provided, single submitter. Criteria: Ambry Variant Classification Scheme 2023. Collection method: clinical testing. Allele origin: germline.

Labcorp Genetics (formerly Invitae), Labcorp
Classification: Uncertain significance for Joubert syndrome; Meckel-Gruber syndrome; Nephronophthisis. Last evaluated: 2024-10-07. Review status: criteria provided, single submitter. Criteria: Invitae Variant Classification Sherloc (09022015). Collection method: clinical testing. Allele origin: germline.
Comment: This sequence change replaces asparagine, which is neutral and polar, with aspartic acid, which is acidic and polar, at codon 4 of the CEP290 protein (p.Asn4Asp). This variant is present in population databases (no rsID available, gnomAD 0.01%). This variant has not been reported in the literature in individuals affected with CEP290-related conditions. ClinVar contains an entry for this variant (Variation ID: 1410508). An algorithm developed to predict the effect of missense changes on protein structure and function (PolyPhen-2) suggests that this variant is likely to be tolerated. In summary, the available evidence is currently insufficient to determine the role of this variant in disease. Therefore, it has been classified as a Variant of Uncertain Significance.

Fulgent Genetics
Classification: Uncertain significance for Joubert syndrome 5; Senior-Loken syndrome 6; Meckel syndrome, type 4; Leber congenital amaurosis 10; Bardet-Biedl syndrome 14. Last evaluated: 2024-06-11. Review status: criteria provided, single submitter. Criteria: ACMG Guidelines, 2015. Collection method: clinical testing. Allele origin: germline.

PreventionGenetics, part of Exact Sciences
Classification: Uncertain significance for CEP290-related condition. Last evaluated: 2024-09-04. Review status: no assertion criteria provided. Collection method: clinical testing. Allele origin: germline. Not counted in ClinVar's aggregate classification.
Comment: The CEP290 c.10A>G variant is predicted to result in the amino acid substitution p.Asn4Asp. To our knowledge, this variant has not been reported in the literature. This variant is reported in 0.013% of alleles in individuals of African descent in gnomAD. At this time, the clinical significance of this variant is uncertain due to the absence of conclusive functional and genetic evidence.

NM_025114.4(CEP290):c.10A>G (p.Asn4Asp)

Gene: CEP290 (centrosomal protein 290; minus strand). Cytogenetic location: 12q21.32.
Variant type: single nucleotide variant.
Coding change: c.10A>G on transcript NM_025114.4 (MANE Select); coding-DNA position 10, A replaced by G.
Protein change: p.Asn4Asp; replaces asparagine 4 with aspartic acid.
Molecular consequence: missense variant.
Genome position (GRCh38, 1-based): chr12:88,141,298, T>C on the plus strand (A>G on the coding strand, the complement: CEP290 is on the minus strand). VCF-style: chr12-88141298-T-C. GRCh37 (hg19) VCF-style: chr12-88535075-T-C.
Other names: c.10A>G (NM_025114.3); short protein forms N4D.
Identifiers: ClinVar variation 1410508 (VCV001410508.8), dbSNP rs997653455, ClinGen allele CA241168932.
Genomic context (GRCh38, chr12:88,141,298, plus strand): 5'-GTTCTTCTTGACGGGGCAGGTCATCTGGGTCAACTTTCATTATTTCTTTCCAGTTTATAT[T>C]AGGTGGCATCTTGAATTCTTTCACTGTGCTCCACCTCTGTAACAAAACAGGTGTATATTA-3'
Protein context (NP_079390.3, residues 1-14): MPP[Asn4Asp]INWKEIMKVD